The following is an entry in ClinVar:

ClinVar aggregate classification (germline): Uncertain significance (1 of 4 stars; one submission).

Conditions:
Beckwith-Wiedemann syndrome (BWS). Also called: Exomphalos macroglossia gigantism syndrome; EMG SYNDROME. Identifiers: Orphanet 116, MedGen C0004903, MONDO:0007534, OMIM 130650.

Allele frequency attached by ClinVar (database versions not stated): gnomAD exomes 0.00001.

Submission:

Labcorp Genetics (formerly Invitae), Labcorp
Classification: Uncertain significance for Beckwith-Wiedemann syndrome. Last evaluated: 2021-02-01. Review status: criteria provided, single submitter. Criteria: Invitae Variant Classification Sherloc (09022015). Collection method: clinical testing. Allele origin: germline.
Comment: In summary, the available evidence is currently insufficient to determine the role of this variant in disease. Therefore, it has been classified as a Variant of Uncertain Significance. Algorithms developed to predict the effect of missense changes on protein structure and function are either unavailable or do not agree on the potential impact of this missense change (SIFT: "Tolerated"; PolyPhen-2: "Probably Damaging"; Align-GVGD: "Class C0"). This variant has not been reported in the literature in individuals with CDKN1C-related conditions. This variant is not present in population databases (ExAC no frequency). This sequence change replaces alanine with valine at codon 55 of the CDKN1C protein (p.Ala55Val). The alanine residue is moderately conserved and there is a small physicochemical difference between alanine and valine.

NM_001122630.2(CDKN1C):c.131C>T (p.Ala44Val)

Gene: CDKN1C (cyclin dependent kinase inhibitor 1C; minus strand). Cytogenetic location: 11p15.4.
Variant type: single nucleotide variant.
Coding change: c.131C>T on transcript NM_001122630.2 (MANE Select); coding-DNA position 131, C replaced by T.
Protein change: p.Ala44Val; replaces alanine 44 with valine.
Molecular consequence: missense variant.
Genome position (GRCh38, 1-based): chr11:2,885,326, G>A on the plus strand (C>T on the coding strand, the complement: CDKN1C is on the minus strand). VCF-style: chr11-2885326-G-A. GRCh37 (hg19) VCF-style: chr11-2906556-G-A.
Other names: c.164C>T, p.Ala55Val (NM_000076.2, NM_001362474.2); c.131C>T, p.Ala44Val (NM_001122631.2, NM_001362475.2); short protein forms A44V, A55V.
Identifiers: ClinVar variation 1002536 (VCV001002536.8), dbSNP rs1848975072, ClinGen allele CA379147548.
Genomic context (GRCh38, chr11:2,885,326, plus strand): 5'-CCAGGGCCCCGCAGCGGCATGTCCTGCTGGAAGTCGTAATCCCAGCGGTTCTGGTCCTCG[G>A]CGTTCAGCTCGGCCAGGCGGGCCTGCAGCTCGCGGCTCAGCTCCTCGTGGTCCACCGGCC-3'
Protein context (NP_001116102.1, residues 34-54): ELQARLAELN[Ala44Val]EDQNRWDYDF